The following is an entry in ClinVar:

NM_000108.5(DLD):c.439-6G>A

Gene: DLD (dihydrolipoamide dehydrogenase; plus strand). Cytogenetic location: 7q31.1.
Variant type: single nucleotide variant.
Coding change: c.439-6G>A on transcript NM_000108.5 (MANE Select); 6 bases into the intron before coding-DNA position 439, G replaced by A.
Molecular consequence: intron variant.
Genome position (GRCh38, 1-based): chr7:107,905,355, G>A. VCF-style: chr7-107905355-G-A. GRCh37 (hg19) VCF-style: chr7-107545800-G-A.
Other names: c.438+297G>A (NM_001289752.1); c.370-6G>A (NM_001289751.1); c.142-6G>A (NM_001289750.1).
Identifiers: ClinVar variation 2223644 (VCV002223644.2), dbSNP rs369208046, ClinGen allele CA4434474.

ClinVar aggregate classification (germline): Uncertain significance (1 of 4 stars; one submission).

Conditions:
Inborn genetic diseases. Identifiers: MedGen C0950123, MeSH D030342.

gnomAD v4.1: 200 of 1,611,120 alleles (0.012%); highest among the groups gnomAD compares: African/African-American, 0.033%; no homozygotes.

Submission:

Ambry Genetics
Classification: Uncertain significance for Inborn genetic diseases. Last evaluated: 2022-01-16. Review status: criteria provided, single submitter. Criteria: Ambry Variant Classification Scheme 2023. Collection method: clinical testing. Allele origin: germline.
Comment: The c.439-6G>A intronic alteration consists of a G to A substitution 6 nucleotides before coding exon 7 in the DLD gene. Based on insufficient or conflicting evidence, the clinical significance of this alteration remains unclear.